The following is an entry in ClinVar:

NM_024741.3(ZNF408):c.303C>T (p.Gly101=)

Gene: ZNF408 (zinc finger protein 408; plus strand). Cytogenetic location: 11p11.2.
Variant type: single nucleotide variant.
Coding change: c.303C>T on transcript NM_024741.3 (MANE Select); coding-DNA position 303, C replaced by T.
Protein change: p.Gly101=; no amino-acid change (glycine 101 retained).
Molecular consequence: synonymous variant.
Genome position (GRCh38, 1-based): chr11:46,701,649, C>T. VCF-style: chr11-46701649-C-T. GRCh37 (hg19) VCF-style: chr11-46723199-C-T.
Other names: c.279C>T, p.Gly93= (NM_001184751.2).
Identifiers: ClinVar variation 1519318 (VCV001519318.6), dbSNP rs1027734312, ClinGen allele CA221630070.
Genomic context (GRCh38, chr11:46,701,649, plus strand): 5'-CCTGCAGCCCGGCCTGCTGTGGGGGCCGCTGGAAGAGGAGTCTGCCTCCAAGGAGAAGGG[C>T]GAGGGAGTAAAGCCACGGCAGGAGGAGGTATTGAAGGATAGAGCGACTTCCCTCCGCCCT-3'
Protein context (NP_079017.1, residues 91-111): LEEESASKEK[Gly101=]EGVKPRQEEN

ClinVar aggregate classification (germline): Uncertain significance (1 of 4 stars; one submission).

Allele frequency attached by ClinVar (database versions not stated): gnomAD 0.00001; TOPMed 0.00002.
gnomAD v4.1: 2 of 1,597,484 alleles (0.00013%); highest among the groups gnomAD compares: Non-Finnish European, 0.00017%; no homozygotes.

Submission:

Labcorp Genetics (formerly Invitae), Labcorp
Classification: Uncertain significance. Last evaluated: 2021-12-13. Review status: criteria provided, single submitter. Criteria: Invitae Variant Classification Sherloc (09022015). Collection method: clinical testing. Allele origin: germline.
Comment: In summary, the available evidence is currently insufficient to determine the role of this variant in disease. Therefore, it has been classified as a Variant of Uncertain Significance. Algorithms developed to predict the effect of sequence changes on RNA splicing suggest that this variant may create or strengthen a splice site. This variant has not been reported in the literature in individuals affected with ZNF408-related conditions. This variant is not present in population databases (gnomAD no frequency). This sequence change affects codon 101 of the ZNF408 mRNA. It is a 'silent' change, meaning that it does not change the encoded amino acid sequence of the ZNF408 protein.